The following is an entry in ClinVar:

NM_006096.4(NDRG1):c.390-1G>A

Gene: NDRG1 (N-myc downstream regulated 1; minus strand). Cytogenetic location: 8q24.22.
Variant type: single nucleotide variant.
Coding change: c.390-1G>A on transcript NM_006096.4 (MANE Select); the canonical splice acceptor site of the intron before coding-DNA position 390, G replaced by A.
Molecular consequence: splice acceptor variant.
Genome position (GRCh38, 1-based): chr8:133,258,427, C>T on the plus strand (G>A on the coding strand, the complement: NDRG1 is on the minus strand). VCF-style: chr8-133258427-C-T. GRCh37 (hg19) VCF-style: chr8-134270670-C-T.
Other names: c.192-1G>A (NM_001258432.2, NM_001374847.1); c.147-1G>A (NM_001258433.2); c.390-1G>A (NM_001374844.1, NM_001135242.2, NM_001374845.1 and 1 more transcripts).
Identifiers: ClinVar variation 3775959 (VCV003775959.1).

ClinVar aggregate classification (germline): Pathogenic (1 of 4 stars; one submission).

Conditions:
Charcot-Marie-Tooth disease type 4D. Also called: NEUROPATHY, HEREDITARY MOTOR AND SENSORY, LOM TYPE; CHARCOT-MARIE-TOOTH DISEASE, DEMYELINATING, AUTOSOMAL RECESSIVE, TYPE 4D; Charcot-Marie-Tooth Neuropathy Type 4D; CHARCOT-MARIE-TOOTH DISEASE, DEMYELINATING, TYPE 4D. Identifiers: Orphanet 99950, MedGen C1832334, MONDO:0011085, OMIM 601455.

Submission:

3billion
Classification: Pathogenic for Charcot-Marie-Tooth disease type 4D. Last evaluated: 2023-12-03. Review status: criteria provided, single submitter. Criteria: ACMG Guidelines, 2015. Collection method: clinical testing. Allele origin: germline. Affected: yes.
Comment: The variant is not observed in the gnomAD v2.1.1 dataset. Predicted Consequence/Location: Canonical splice site: predicted to alter splicing and result in a loss or disruption of normal protein function. Multiple pathogenic loss-of-function variants are reported downstream of the variant. In silico tools predict the variant to alter splicing and produce an abnormal transcript [Splice AI: 1.00 (spliceogenicity >=0.2, non-spliceogenicity <0.1)]. Therefore, this variant is classified as Pathogenic according to the recommendation of ACMG/AMP guideline.